The following is an entry in ClinVar:

ClinVar aggregate classification (germline): Uncertain significance. Review status: criteria provided, multiple submitters, no conflicts (2 of 4 stars). 3 submissions from 3 submitters: Uncertain significance (3). Last evaluated 2026-01-27.

Conditions:
Bethlem myopathy 1A. Also called: Bethlem Muscular Dystrophy; MYOPATHY, BENIGN CONGENITAL, WITH CONTRACTURES; Bethlem myopathy 1. Identifiers: Orphanet 610, MedGen CN029274, MONDO:0024530, OMIM 158810.

Allele frequency attached by ClinVar (database versions not stated): gnomAD exomes below 0.00001 and 0.00001; gnomAD 0.00001; TOPMed 0.00002.
gnomAD v4.1: 12 of 1,613,726 alleles (0.00074%); highest among the groups gnomAD compares: Admixed American, 0.0017%; no homozygotes.

Submissions (3):

Labcorp Genetics (formerly Invitae), Labcorp
Classification: Uncertain significance for Bethlem myopathy 1A. Last evaluated: 2026-01-27. Review status: criteria provided, single submitter. Criteria: Invitae Variant Classification Sherloc (09022015). Collection method: clinical testing. Allele origin: germline.
Comment: This sequence change replaces glutamine, which is neutral and polar, with arginine, which is basic and polar, at codon 2659 of the COL6A3 protein (p.Gln2659Arg). This variant is present in population databases (no rsID available, gnomAD 0.002%). This variant has not been reported in the literature in individuals affected with COL6A3-related conditions. ClinVar contains an entry for this variant (Variation ID: 288925). Invitae Evidence Modeling of protein sequence and biophysical properties (such as structural, functional, and spatial information, amino acid conservation, physicochemical variation, residue mobility, and thermodynamic stability) indicates that this missense variant is not expected to disrupt COL6A3 protein function with a negative predictive value of 80%. In summary, the available evidence is currently insufficient to determine the role of this variant in disease. Therefore, it has been classified as a Variant of Uncertain Significance.

Revvity Omics, Revvity
Classification: Uncertain significance. Last evaluated: 2021-06-08. Review status: criteria provided, single submitter. Criteria: ACMG Guidelines, 2015. Collection method: clinical testing. Allele origin: germline.

Eurofins Ntd Llc (ga)
Classification: Uncertain significance. Last evaluated: 2016-06-23. Review status: criteria provided, single submitter. Criteria: EGL Classification Definitions 2015. Collection method: clinical testing. Allele origin: germline. Observed: 1 variant allele, 1 heterozygote.

NM_004369.4(COL6A3):c.7976A>G (p.Gln2659Arg)

Gene: COL6A3 (collagen type VI alpha 3 chain; minus strand). Cytogenetic location: 2q37.3.
Variant type: single nucleotide variant.
Coding change: c.7976A>G on transcript NM_004369.4 (MANE Select); coding-DNA position 7976, A replaced by G.
Protein change: p.Gln2659Arg; replaces glutamine 2659 with arginine.
Molecular consequence: missense variant.
Genome position (GRCh38, 1-based): chr2:237,340,940, T>C on the plus strand (A>G on the coding strand, the complement: COL6A3 is on the minus strand). VCF-style: chr2-237340940-T-C. GRCh37 (hg19) VCF-style: chr2-238249583-T-C.
Other names: c.6155A>G, p.Gln2052Arg (NM_057166.5); c.7358A>G, p.Gln2453Arg (NM_057167.4); short protein forms Q2659R, Q2453R, Q2052R.
Identifiers: ClinVar variation 288925 (VCV000288925.15), dbSNP rs886044041, ClinGen allele CA10606267.
Genomic context (GRCh38, chr2:237,340,940, plus strand): 5'-CTGGCATTGTCCACGGACTCAGAGGGCGCGTGCTGCACAACTGCCACTCTGGCGAAGTGC[T>C]GGGAGGCCTTGGGATCTGGGCTCATGTCCAGTTGTCTGACCAGGTACGCTATGTACTTCT-3'
Protein context (NP_004360.2, residues 2649-2669): LDMSPDPKAS[Gln2659Arg]HFARVAVVQH